The following is an entry in ClinVar:

NM_001114753.3(ENG):c.1089T>G (p.Cys363Trp)

Gene: ENG (endoglin; minus strand). Cytogenetic location: 9q34.11.
Variant type: single nucleotide variant.
Coding change: c.1089T>G on transcript NM_001114753.3 (MANE Select); coding-DNA position 1089, T replaced by G.
Protein change: p.Cys363Trp; replaces cysteine 363 with tryptophan.
Molecular consequence: missense variant.
Genome position (GRCh38, 1-based): chr9:127,824,349, A>C on the plus strand (T>G on the coding strand, the complement: ENG is on the minus strand). VCF-style: chr9-127824349-A-C. GRCh37 (hg19) VCF-style: chr9-130586628-A-C.
Other names: c.1089T>G, p.Cys363Trp (NM_000118.4, NM_001406715.1); c.543T>G, p.Cys181Trp (NM_001278138.2); short protein forms C363W, C181W.
Identifiers: ClinVar variation 618627 (VCV000618627.9), dbSNP rs777177134, ClinGen allele CA374980741.
Genomic context (GRCh38, chr9:127,824,349, plus strand): 5'-CAGGAGTTCCCTTACCGCAACAAGCTCTTTCTTTAGTACCAGGGTCATGGCGTCGTCGGC[A>C]CACTTTGTCTGGATCAAGGACATGAGCAGCTCCGGGCTACAAGTGTCCTTGGGAGGAGTG-3'
Protein context (NP_001108225.1, residues 353-373): ELLMSLIQTK[Cys363Trp]ADDAMTLVLK

ClinVar aggregate classification (germline): Uncertain significance (1 of 4 stars; one submission).

Submission:

ARUP Laboratories, Molecular Genetics and Genomics, ARUP Laboratories
Classification: Uncertain significance. Last evaluated: 2018-05-09. Review status: criteria provided, single submitter. Criteria: ARUP Molecular Germline Variant Investigation Process. Collection method: clinical testing. Allele origin: germline.
Comment: The ENG c.1089T>G; p.Cys363Trp variant, to our knowledge, is not reported in the medical literature or gene specific databases. However, other variants at this codon (p.Cys363Ser, p.Cys363Tyr) are reported in the literature in individuals with HHT (Bossler 2006, Gedge 2007, Nishida 2012, Paquet 2001), and the p.Cys363Tyr variant improperly localizes to the endoplasmic reticulum (Ali 2011). The p.Cys363Trp variant is absent from the general population databases (1000 Genomes Project, Exome Variant Server, and Genome Aggregation Database), indicating it is not a common polymorphism. The cysteine at codon 363 is highly conserved, and computational analyses (SIFT, PolyPhen-2) predict that this variant is deleterious. However, due to limited information regarding p.Cys363Trp, its clinical significance is uncertain at this time. References: Ali BR et al. Endoplasmic reticulum quality control is involved in the mechanism of endoglin-mediated hereditary haemorrhagic telangiectasia. PLoS One. 2011;6(10):e26206. Bossler AD et al. Novel mutations in ENG and ACVRL1 identified in a series of 200 individuals undergoing clinical genetic testing for hereditary hemorrhagic telangiectasia (HHT): correlation of genotype with phenotype. Hum Mutat. 2006 Jul;27(7):667-75. Gedge F et al. Clinical and analytical sensitivities in hereditary hemorrhagic telangiectasia testing and a report of de novo mutations. J Mol Diagn. 2007 Apr;9(2):258-65. Nishida T et al. Brain arteriovenous malformations associated with hereditary hemorrhagic telangiectasia: gene-phenotype correlations. Am J Med Genet A. 2012 Nov;158A(11):2829-34. Paquet ME et al. Analysis of several endoglin mutants reveals no endogenous mature or secreted protein capable of interfering with normal endoglin function. Hum Mol Genet. 2001 Jun 15;10(13):1347-57.